The following is an entry in ClinVar:

ClinVar aggregate classification (germline): Conflicting classifications of pathogenicity. Review status: criteria provided, conflicting classifications (1 of 4 stars). 6 submissions from 6 submitters: Uncertain significance (4); Likely benign (1). 1 of the submissions does not count toward it. Last evaluated 2025-04-14.

Conditions:
VRK1-related disorder. Also called: VRK1-related condition.
Inborn genetic diseases. Identifiers: MedGen C0950123, MeSH D030342.
Congenital pontocerebellar hypoplasia type 1. Also called: Pontocerebellar hypoplasia type 1. Identifiers: Orphanet 2254, MedGen C5442006, MONDO:0016396.
Pontocerebellar hypoplasia type 1A (PCH1A). Also called: PONTOCEREBELLAR HYPOPLASIA WITH ANTERIOR HORN CELL DISEASE; PONTOCEREBELLAR HYPOPLASIA WITH INFANTILE SPINAL MUSCULAR ATROPHY. Identifiers: Orphanet 2254, Orphanet 88616, MedGen C1843504, MONDO:0011866, OMIM 607596.

Allele frequency attached by ClinVar (database versions not stated): ExAC 0.00017; 1000 Genomes Project 0.00040; 1000 Genomes Project 30x 0.00047; gnomAD 0.00056 and 0.00059; TOPMed 0.00060; ESP Exome Variant Server 0.00062.
gnomAD v4.1: 159 of 1,613,232 alleles (0.0099%); highest among the groups gnomAD compares: African/African-American, 0.17%; no homozygotes.

Submissions (6):

PreventionGenetics, part of Exact Sciences
Classification: Likely benign for VRK1-related condition. Last evaluated: 2025-04-14. Review status: criteria provided, single submitter. Criteria: ACMG Guidelines, 2015. Collection method: clinical testing. Allele origin: germline.
Comment: This variant is classified as likely benign based on ACMG/AMP sequence variant interpretation guidelines (Richards et al. 2015 PMID: 25741868, with internal and published modifications).

Labcorp Genetics (formerly Invitae), Labcorp
Classification: Uncertain significance for Pontocerebellar hypoplasia type 1A. Last evaluated: 2022-08-23. Review status: criteria provided, single submitter. Criteria: Invitae Variant Classification Sherloc (09022015). Collection method: clinical testing. Allele origin: germline.
Comment: This sequence change replaces leucine, which is neutral and non-polar, with phenylalanine, which is neutral and non-polar, at codon 341 of the VRK1 protein (p.Leu341Phe). This variant is present in population databases (rs139734064, gnomAD 0.1%). This variant has not been reported in the literature in individuals affected with VRK1-related conditions. ClinVar contains an entry for this variant (Variation ID: 451762). Algorithms developed to predict the effect of missense changes on protein structure and function output the following: SIFT: "Tolerated"; PolyPhen-2: "Benign"; Align-GVGD: "Class C0". The phenylalanine amino acid residue is found in multiple mammalian species, which suggests that this missense change does not adversely affect protein function. In summary, the available evidence is currently insufficient to determine the role of this variant in disease. Therefore, it has been classified as a Variant of Uncertain Significance.

GeneDx
Classification: Uncertain significance. Last evaluated: 2021-04-23. Review status: criteria provided, single submitter. Criteria: GeneDx Variant Classification Process June 2021. Collection method: clinical testing. Allele origin: germline. Affected: yes.
Comment: In silico analysis supports that this missense variant does not alter protein structure/function; Has not been previously published as pathogenic or benign to our knowledge

Ambry Genetics
Classification: Uncertain significance for Inborn genetic diseases. Last evaluated: 2020-08-24. Review status: criteria provided, single submitter. Criteria: Ambry Variant Classification Scheme 2023. Collection method: clinical testing. Allele origin: germline.
Comment: The p.L341F variant (also known as c.1021C>T), located in coding exon 10 of the VRK1 gene, results from a C to T substitution at nucleotide position 1021. The leucine at codon 341 is replaced by phenylalanine, an amino acid with highly similar properties. This amino acid position is not well conserved in available vertebrate species, and phenylalanine is the reference amino acid in other vertebrate species. In addition, this alteration is predicted to be tolerated by in silico analysis. Since supporting evidence is limited at this time, the clinical significance of this alteration remains unclear.

Illumina Laboratory Services, Illumina
Classification: Uncertain significance for Pontocerebellar hypoplasia type 1A. Last evaluated: 2018-01-12. Review status: criteria provided, single submitter. Criteria: ICSL Variant Classification Criteria 13 December 2019. Collection method: clinical testing. Allele origin: germline.

Natera, Inc.
Classification: Uncertain significance for Pontocerebellar hypoplasia type 1. Last evaluated: 2020-04-18. Review status: no assertion criteria provided. Collection method: clinical testing. Allele origin: germline. Not counted in ClinVar's aggregate classification.

NM_003384.3(VRK1):c.1021C>T (p.Leu341Phe)

Gene: VRK1 (VRK serine/threonine kinase 1; plus strand). Cytogenetic location: 14q32.2.
Variant type: single nucleotide variant.
Coding change: c.1021C>T on transcript NM_003384.3 (MANE Select); coding-DNA position 1021, C replaced by T.
Protein change: p.Leu341Phe; replaces leucine 341 with phenylalanine.
Molecular consequence: missense variant.
Genome position (GRCh38, 1-based): chr14:96,860,688, C>T. VCF-style: chr14-96860688-C-T. GRCh37 (hg19) VCF-style: chr14-97327025-C-T.
Other names: short protein forms L341F.
Identifiers: ClinVar variation 451762 (VCV000451762.15), dbSNP rs139734064, ClinGen allele CA7339144.